The following is an entry in ClinVar:

NM_033056.4(PCDH15):c.4736G>A (p.Ser1579Asn)

Gene: PCDH15 (protocadherin related 15; minus strand). Cytogenetic location: 10q21.1.
Variant type: single nucleotide variant.
Coding change: c.4736G>A on transcript NM_033056.4 (MANE Plus Clinical); coding-DNA position 4736, G replaced by A.
Protein change: p.Ser1579Asn; replaces serine 1579 with asparagine.
Molecular consequence: missense variant. On other transcripts: intron variant (8).
Genome position (GRCh38, 1-based): chr10:53,822,990, C>T on the plus strand (G>A on the coding strand, the complement: PCDH15 is on the minus strand). VCF-style: chr10-53822990-C-T. GRCh37 (hg19) VCF-style: chr10-55582750-C-T.
Other names: c.4757G>A, p.Ser1586Asn (NM_001142763.2); c.4742G>A, p.Ser1581Asn (NM_001142764.2); c.4529G>A, p.Ser1510Asn (NM_001142765.2); c.4727G>A, p.Ser1576Asn (NM_001142766.2); c.4616G>A, p.Ser1539Asn (NM_001142767.2); c.4676G>A, p.Ser1559Asn (NM_001142768.2); c.4667G>A, p.Ser1556Asn (NM_001142773.2); c.4670G>A, p.Ser1557Asn (NM_001354404.2); and 6 more; short protein forms S1510N, S1559N, S1581N, S1557N, S1539N, S1556N, S1576N, S1579N.
Identifiers: ClinVar variation 2153865 (VCV002153865.4), dbSNP rs1434959194, ClinGen allele CA376526685.

ClinVar aggregate classification (germline): Uncertain significance. Review status: criteria provided, multiple submitters, no conflicts (2 of 4 stars). 3 submissions from 3 submitters: Uncertain significance (3). Last evaluated 2025-12-29.

Conditions:
Inborn genetic diseases. Identifiers: MedGen C0950123, MeSH D030342.
Usher syndrome type 1 (USH1). Also called: RETINITIS PIGMENTOSA AND CONGENITAL DEAFNESS. Identifiers: Orphanet 231169, Orphanet 886, MedGen C1568247, MONDO:0010168, OMIM 276900.

Allele frequency attached by ClinVar (database versions not stated): gnomAD exomes 0.00001; gnomAD 0.00001.
gnomAD v4.1: 19 of 1,613,968 alleles (0.0012%); highest among the groups gnomAD compares: Non-Finnish European, 0.0016%; no homozygotes.

Submissions (3):

Labcorp Genetics (formerly Invitae), Labcorp
Classification: Uncertain significance. Last evaluated: 2025-12-29. Review status: criteria provided, single submitter. Criteria: Invitae Variant Classification Sherloc (09022015). Collection method: clinical testing. Allele origin: germline.
Comment: This sequence change replaces serine, which is neutral and polar, with asparagine, which is neutral and polar, at codon 1579 of the PCDH15 protein (p.Ser1579Asn). This variant is not present in population databases (gnomAD no frequency). This variant has not been reported in the literature in individuals affected with PCDH15-related conditions. ClinVar contains an entry for this variant (Variation ID: 2153865). Invitae Evidence Modeling of protein sequence and biophysical properties (such as structural, functional, and spatial information, amino acid conservation, physicochemical variation, residue mobility, and thermodynamic stability) indicates that this missense variant is not expected to disrupt PCDH15 protein function with a negative predictive value of 95%. In summary, the available evidence is currently insufficient to determine the role of this variant in disease. Therefore, it has been classified as a Variant of Uncertain Significance.

Ambry Genetics
Classification: Uncertain significance for Inborn genetic diseases. Last evaluated: 2023-09-25. Review status: criteria provided, single submitter. Criteria: Ambry Variant Classification Scheme 2023. Collection method: clinical testing. Allele origin: germline.

Department of Pathology and Laboratory Medicine, Sinai Health System
Classification: Uncertain significance for Usher syndrome type 1. Last evaluated: 2021-01-20. Review status: criteria provided, single submitter. Criteria: ACMG Guidelines, 2015. Collection method: research. Allele origin: germline.